The following is an entry in ClinVar:

ClinVar aggregate classification (germline): Uncertain significance (1 of 4 stars; one submission).

Conditions:
Inborn genetic diseases. Identifiers: MedGen C0950123, MeSH D030342.

Submission:

Ambry Genetics
Classification: Uncertain significance for Inborn genetic diseases. Last evaluated: 2025-03-20. Review status: criteria provided, single submitter. Criteria: Ambry Variant Classification Scheme 2023. Collection method: clinical testing. Allele origin: germline.
Comment: The p.A910T variant (also known as c.2728G>A), located in coding exon 28 of the RTEL1 gene, results from a G to A substitution at nucleotide position 2728. The alanine at codon 910 is replaced by threonine, an amino acid with similar properties. This amino acid position is conserved. In addition, the in silico prediction for this alteration is inconclusive. Based on the available evidence, the clinical significance of this variant remains unclear.

NM_001283009.2(RTEL1):c.2728G>A (p.Ala910Thr)

Genes: RTEL1 (regulator of telomere elongation helicase 1; plus strand), RTEL1-TNFRSF6B (RTEL1-TNFRSF6B readthrough (NMD candidate); plus strand). Cytogenetic location: 20q13.33.
Variant type: single nucleotide variant.
Coding change: c.2728G>A on transcript NM_001283009.2 (MANE Select); coding-DNA position 2728, G replaced by A.
Protein change: p.Ala910Thr; replaces alanine 910 with threonine.
Molecular consequence: missense variant. On other transcripts: non-coding transcript variant (1).
Genome position (GRCh38, 1-based): chr20:63,692,880, G>A. VCF-style: chr20-63692880-G-A. GRCh37 (hg19) VCF-style: chr20-62324233-G-A.
Other names: c.2059G>A, p.Ala687Thr (NM_001283010.1); c.2728G>A, p.Ala910Thr (NM_016434.4); c.2800G>A, p.Ala934Thr (NM_032957.5); short protein forms A910T, A934T, A687T.
Identifiers: ClinVar variation 3948234 (VCV003948234.1).